The following is an entry in ClinVar:

ClinVar aggregate classification (germline): Benign/Likely benign. Review status: criteria provided, multiple submitters, no conflicts (2 of 4 stars). 2 submissions from 2 submitters: Benign (1); Likely benign (1). Last evaluated 2024-03-13.

Submissions (2):

Labcorp Genetics (formerly Invitae), Labcorp
Classification: Benign. Last evaluated: 2024-03-13. Review status: criteria provided, single submitter. Criteria: Invitae Variant Classification Sherloc (09022015). Collection method: clinical testing. Allele origin: germline.

CeGaT Center for Human Genetics Tuebingen
Classification: Likely benign. Last evaluated: 2022-06-01. Review status: criteria provided, single submitter. Criteria: CeGaT Center For Human Genetics Tuebingen Variant Classification Criteria Version 2. Collection method: clinical testing. Allele origin: germline. Affected: yes. Observed: 1 variant allele.
Comment: SOX3: BP3

NM_005634.3(SOX3):c.718_744del (p.Ala240_Ala248del)

Gene: SOX3 (SRY-box transcription factor 3; minus strand). Cytogenetic location: Xq27.1.
Variant type: Deletion.
Coding change: c.718_744del on transcript NM_005634.3 (MANE Select); coding-DNA positions 718 to 744, 27 bases deleted (GCTGCCGCGGCCGCAGCCGCTGCCGCC).
Protein change: p.Ala240_Ala248del.
Molecular consequence: inframe deletion.
Genome position (GRCh38, 1-based): chrX:140,504,317-140,504,343, GGCGGCAGCGGCTGCGGCCGCGGCAGC deleted on the plus strand (GCTGCCGCGGCCGCAGCCGCTGCCGCC on the coding strand, the reverse complement: SOX3 is on the minus strand); deleting any 27 consecutive bases within chrX:140,504,317-140,504,349 gives the same sequence; the c. name uses the placement nearest the transcript's 3' end. VCF-style (leftmost placement, unchanged base first): chrX-140504316-TGGCGGCAGCGGCTGCGGCCGCGGCAGC-T. GRCh37 (hg19) VCF-style: chrX-139586481-TGGCGGCAGCGGCTGCGGCCGCGGCAGC-T.
Identifiers: ClinVar variation 1695319 (VCV001695319.33), dbSNP rs745676133, ClinGen allele CA10531619.